The following is an entry in ClinVar:

ClinVar aggregate classification (germline): Uncertain significance (1 of 4 stars; one submission).

Conditions:
Generalized epilepsy with febrile seizures plus, type 7 (GEFSP7). Also called: GEFS+, TYPE 7. Identifiers: Orphanet 36387, MedGen C2751778, MONDO:0013470, OMIM 613863.
Neuropathy, hereditary sensory and autonomic, type 2A (HSAN2A). Also called: ACROOSTEOLYSIS, GIACCAI TYPE; ACROOSTEOLYSIS, NEUROGENIC; HSAN IIA; WNK1-Related HSAN2 (HSAN2A); NEUROPATHY, CONGENITAL SENSORY; NEUROPATHY, HEREDITARY SENSORY RADICULAR, AUTOSOMAL RECESSIVE. Identifiers: Orphanet 970, MedGen C2752089, MONDO:0024309, OMIM 201300.

Submission:

Labcorp Genetics (formerly Invitae), Labcorp
Classification: Uncertain significance for Neuropathy, hereditary sensory and autonomic, type 2A; Generalized epilepsy with febrile seizures plus, type 7. Last evaluated: 2022-02-10. Review status: criteria provided, single submitter. Criteria: Invitae Variant Classification Sherloc (09022015). Collection method: clinical testing. Allele origin: germline.
Comment: In summary, the available evidence is currently insufficient to determine the role of this variant in disease. Therefore, it has been classified as a Variant of Uncertain Significance. Algorithms developed to predict the effect of sequence changes on RNA splicing suggest that this variant may create or strengthen a splice site. Algorithms developed to predict the effect of missense changes on protein structure and function (SIFT, PolyPhen-2, Align-GVGD) all suggest that this variant is likely to be disruptive. This variant has not been reported in the literature in individuals affected with SCN9A-related conditions. This variant is not present in population databases (gnomAD no frequency). This sequence change replaces glycine, which is neutral and non-polar, with valine, which is neutral and non-polar, at codon 1712 of the SCN9A protein (p.Gly1712Val).

NM_001365536.1(SCN9A):c.5168G>T (p.Gly1723Val)

Genes: SCN1A-AS1 (SCN1A and SCN9A antisense RNA 1; plus strand), SCN9A (sodium voltage-gated channel alpha subunit 9; minus strand). Cytogenetic location: 2q24.3.
Variant type: single nucleotide variant.
Coding change: c.5168G>T on transcript NM_001365536.1 (MANE Select); coding-DNA position 5168, G replaced by T.
Protein change: p.Gly1723Val; replaces glycine 1723 with valine.
Molecular consequence: missense variant.
Genome position (GRCh38, 1-based): chr2:166,199,471, C>A on the plus strand (G>T on the coding strand, the complement: SCN9A is on the minus strand). VCF-style: chr2-166199471-C-A. GRCh37 (hg19) VCF-style: chr2-167055981-C-A.
Other names: c.5135G>T, p.Gly1712Val (NM_002977.4); short protein forms G1712V, G1723V.
Identifiers: ClinVar variation 1426871 (VCV001426871.8), dbSNP rs2106337463, ClinGen allele CA349054409.